The following is an entry in ClinVar:

NM_000059.4(BRCA2):c.9763G>C (p.Gly3255Arg)

Gene: BRCA2 (BRCA2 DNA repair associated; plus strand). Cytogenetic location: 13q13.1.
Variant type: single nucleotide variant.
Coding change: c.9763G>C on transcript NM_000059.4 (MANE Select); coding-DNA position 9763, G replaced by C.
Protein change: p.Gly3255Arg; replaces glycine 3255 with arginine.
Molecular consequence: missense variant.
Genome position (GRCh38, 1-based): chr13:32,398,276, G>C. VCF-style: chr13-32398276-G-C. GRCh37 (hg19) VCF-style: chr13-32972413-G-C.
Other names: short protein forms G3255R.
Identifiers: ClinVar variation 823467 (VCV000823467.17), dbSNP rs764208320, ClinGen allele CA387765759.

ClinVar aggregate classification (germline): Uncertain significance. Review status: criteria provided, multiple submitters, no conflicts (2 of 4 stars). 2 submissions from 2 submitters: Uncertain significance (2). Last evaluated 2024-09-15.

Conditions:
Hereditary cancer-predisposing syndrome. Also called: Tumor predisposition; Hereditary Cancer Syndrome; Neoplastic Syndromes, Hereditary; Hereditary neoplastic syndrome. Identifiers: Orphanet 140162, MedGen C0027672, MeSH D009386, MONDO:0015356.
Hereditary breast ovarian cancer syndrome. Also called: Hereditary breast and ovarian cancer; Breast and ovarian cancer; Hereditary breast and/or ovarian cancer syndrome; Hereditary breast and ovarian cancer syndrome; BRCA1- and BRCA2-Associated Hereditary Breast and Ovarian Cancer; Hereditary breast and ovarian cancer syndrome (HBOC). Identifiers: Orphanet 145, MedGen C0677776, MeSH D061325, MONDO:0003582. Disease mechanism: loss of function.

gnomAD v4.1: 1 of 1,614,148 alleles (0.000062%); highest among the groups gnomAD compares: Non-Finnish European, 0.000085%; no homozygotes.

Submissions (2):

Ambry Genetics
Classification: Uncertain significance for Hereditary cancer-predisposing syndrome. Last evaluated: 2024-09-15. Review status: criteria provided, single submitter. Criteria: Ambry Variant Classification Scheme 2023. Collection method: clinical testing. Allele origin: germline.
Comment: The p.G3255R variant (also known as c.9763G>C), located in coding exon 26 of the BRCA2 gene, results from a G to C substitution at nucleotide position 9763. The glycine at codon 3255 is replaced by arginine, an amino acid with dissimilar properties. This amino acid position is not well conserved in available vertebrate species. In addition, this alteration is predicted to be tolerated by in silico analysis. Since supporting evidence is limited at this time, the clinical significance of this alteration remains unclear.

Labcorp Genetics (formerly Invitae), Labcorp
Classification: Uncertain significance for Hereditary breast ovarian cancer syndrome. Last evaluated: 2022-09-20. Review status: criteria provided, single submitter. Criteria: Invitae Variant Classification Sherloc (09022015). Collection method: clinical testing. Allele origin: germline.
Comment: In summary, the available evidence is currently insufficient to determine the role of this variant in disease. Therefore, it has been classified as a Variant of Uncertain Significance. Advanced modeling of protein sequence and biophysical properties (such as structural, functional, and spatial information, amino acid conservation, physicochemical variation, residue mobility, and thermodynamic stability) performed at Invitae indicates that this missense variant is not expected to disrupt BRCA2 protein function. This sequence change replaces glycine, which is neutral and non-polar, with arginine, which is basic and polar, at codon 3255 of the BRCA2 protein (p.Gly3255Arg). This variant has not been reported in the literature in individuals affected with BRCA2-related conditions. ClinVar contains an entry for this variant (Variation ID: 823467). This variant is not present in population databases (gnomAD no frequency).